The following is an entry in ClinVar:

NM_001110556.2(FLNA):c.946G>A (p.Val316Met)

Gene: FLNA (filamin A; minus strand). Cytogenetic location: Xq28.
Variant type: single nucleotide variant.
Coding change: c.946G>A on transcript NM_001110556.2 (MANE Select); coding-DNA position 946, G replaced by A.
Protein change: p.Val316Met; replaces valine 316 with methionine.
Molecular consequence: missense variant.
Genome position (GRCh38, 1-based): chrX:154,366,773, C>T on the plus strand (G>A on the coding strand, the complement: FLNA is on the minus strand). VCF-style: chrX-154366773-C-T. GRCh37 (hg19) VCF-style: chrX-153595141-C-T.
Other names: c.946G>A, p.Val316Met (NM_001456.4); short protein forms V316M.
Identifiers: ClinVar variation 636545 (VCV000636545.3), dbSNP rs1603362983, ClinGen allele CA415247671.

ClinVar aggregate classification (germline): Uncertain significance. Review status: criteria provided, multiple submitters, no conflicts (2 of 4 stars). 2 submissions from 2 submitters: Uncertain significance (2). Last evaluated 2025-11-03.

Conditions:
Melnick-Needles syndrome (MNS). Also called: Melnick-Needles Syndrome (FLNA-MNS); OSTEODYSPLASTY OF MELNICK AND NEEDLES; MELNICK-NEEDLES OSTEODYSPLASTY. Identifiers: Orphanet 2484, MedGen C0025237, MONDO:0010650, OMIM 309350.
Heterotopia, periventricular, X-linked dominant (PVNH1). Also called: PERIVENTRICULAR NODULAR HETEROTOPIA 4; HETEROTOPIA, PERIVENTRICULAR, 1; PERIVENTRICULAR NODULAR HETEROTOPIA 1; X-linked periventricular heterotopia. Identifiers: Orphanet 2149, Orphanet 82004, MedGen C1848213, MONDO:0010233, OMIM 300049.
Oto-palato-digital syndrome, type II (OPD2). Also called: Otopalatodigital Syndrome Type 2 (FLNA-OPD2); OPD II SYNDROME; FACIOPALATOOSSEOUS SYNDROME; Otopalatodigital Syndrome, Type II. Identifiers: Orphanet 669, Orphanet 90652, MedGen C1844696, MONDO:0010571, OMIM 304120.
Frontometaphyseal dysplasia (FMD1). Identifiers: Orphanet 1826, MedGen C0265293, MONDO:0015942.

Allele frequency attached by ClinVar (database versions not stated): gnomAD exomes 0.00001.
gnomAD v4.1: 8 of 1,211,795 alleles (0.00066%); highest among the groups gnomAD compares: Non-Finnish European, 0.00089%; no homozygotes.

Submissions (2):

Labcorp Genetics (formerly Invitae), Labcorp
Classification: Uncertain significance for Oto-palato-digital syndrome, type II; Heterotopia, periventricular, X-linked dominant; Frontometaphyseal dysplasia; Melnick-Needles syndrome. Last evaluated: 2025-11-03. Review status: criteria provided, single submitter. Criteria: Invitae Variant Classification Sherloc (09022015). Collection method: clinical testing. Allele origin: germline.
Comment: This sequence change replaces valine, which is neutral and non-polar, with methionine, which is neutral and non-polar, at codon 316 of the FLNA protein (p.Val316Met). This variant is not present in population databases (gnomAD no frequency). This variant has not been reported in the literature in individuals affected with FLNA-related conditions. ClinVar contains an entry for this variant (Variation ID: 636545). Invitae Evidence Modeling of protein sequence and biophysical properties (such as structural, functional, and spatial information, amino acid conservation, physicochemical variation, residue mobility, and thermodynamic stability) indicates that this missense variant is not expected to disrupt FLNA protein function with a negative predictive value of 95%. In summary, the available evidence is currently insufficient to determine the role of this variant in disease. Therefore, it has been classified as a Variant of Uncertain Significance.

Blueprint Genetics
Classification: Uncertain significance. Last evaluated: 2019-08-01. Review status: criteria provided, single submitter. Criteria: ACMG Guidelines, 2015. Collection method: clinical testing. Allele origin: germline.